The following is an entry in ClinVar:

NM_000377.3(WAS):c.371C>A (p.Ala124Glu)

Gene: WAS (WASP actin nucleation promoting factor; plus strand). Cytogenetic location: Xp11.23.
Variant type: single nucleotide variant.
Coding change: c.371C>A on transcript NM_000377.3 (MANE Select); coding-DNA position 371, C replaced by A.
Protein change: p.Ala124Glu; replaces alanine 124 with glutamic acid.
Molecular consequence: missense variant.
Genome position (GRCh38, 1-based): chrX:48,685,744, C>A. VCF-style: chrX-48685744-C-A. GRCh37 (hg19) VCF-style: chrX-48544133-C-A.
Other names: short protein forms A124E.
Identifiers: ClinVar variation 1471966 (VCV001471966.6), dbSNP rs782543817, ClinGen allele CA412867401.

ClinVar aggregate classification (germline): Uncertain significance (1 of 4 stars; one submission).

Conditions:
Thrombocytopenia 1. Also called: X-Linked Thrombocytopenia (XLT); THROMBOCYTOPENIA, X-LINKED, 1; X-linked thrombocytopenia with normal platelets. Identifiers: Orphanet 268322, Orphanet 852, MedGen C1839163, MONDO:0010743, OMIM 313900.
Wiskott-Aldrich syndrome (WAS). Also called: WISKOTT-ALDRICH SYNDROME 1; ALDRICH SYNDROME; IMMUNODEFICIENCY 2; Wiskott-aldrich syndrome, somatic. Identifiers: Orphanet 906, MedGen C0043194, MONDO:0010518, OMIM 301000.
X-linked severe congenital neutropenia (SCNX). Identifiers: Orphanet 86788, MedGen C1845987, MONDO:0010294, OMIM 300299.

Submission:

Labcorp Genetics (formerly Invitae), Labcorp
Classification: Uncertain significance for Wiskott-Aldrich syndrome; X-linked severe congenital neutropenia; Thrombocytopenia 1. Last evaluated: 2021-04-14. Review status: criteria provided, single submitter. Criteria: Invitae Variant Classification Sherloc (09022015). Collection method: clinical testing. Allele origin: germline.
Comment: In summary, the available evidence is currently insufficient to determine the role of this variant in disease. Therefore, it has been classified as a Variant of Uncertain Significance. Experimental studies have shown that this variant affects WAS protein function (PMID: 19817875). This variant has been observed in individual(s) with Wiskott-Aldrich syndrome (PMID: 10790228, Invitae). This variant is not present in population databases (ExAC no frequency). This sequence change replaces alanine with glutamic acid at codon 124 of the WAS protein (p.Ala124Glu). The alanine residue is weakly conserved and there is a moderate physicochemical difference between alanine and glutamic acid.

Literature cited by the submitters: PubMed 19817875; PubMed 10790228.